The following is an entry in ClinVar:

NM_001128431.4(SLC39A14):c.751-9C>G

Gene: SLC39A14 (solute carrier family 39 member 14; plus strand). Cytogenetic location: 8p21.3.
Variant type: single nucleotide variant.
Coding change: c.751-9C>G on transcript NM_001128431.4 (MANE Select); 9 bases into the intron before coding-DNA position 751, C replaced by G.
Molecular consequence: intron variant.
Genome position (GRCh38, 1-based): chr8:22,415,760, C>G. VCF-style: chr8-22415760-C-G. GRCh37 (hg19) VCF-style: chr8-22273273-C-G.
Other names: NP_056174.2:p.His251Profs*26; IVS5AS, C-G, -9; c.751-9C>G (NM_001135154.3, NM_001351656.2, NM_001351655.2 and 3 more transcripts); c.781-9C>G (NM_001351657.2, NM_001351658.2, NM_001351659.2).
Identifiers: ClinVar variation 446707 (VCV000446707.5), dbSNP rs1039778197, ClinGen allele CA658657748.

ClinVar aggregate classification (germline): Likely pathogenic. Review status: criteria provided, multiple submitters, no conflicts (2 of 4 stars). 4 submissions from 4 submitters: Likely pathogenic (2). 2 of the submissions do not count toward it. Last evaluated 2024-10-04.

Conditions:
Hyperostosis cranialis interna. Also called: Hyperostosis cranalis interna. Identifiers: Orphanet 443098, MedGen C1840404, MONDO:0007765, OMIM 144755, HP:0005890.
Hypermanganesemia with dystonia 2 (HMNDYT2). Also called: SLC39A14 Deficiency. Identifiers: Orphanet 521406, MedGen C4310765, MONDO:0014864, OMIM 617013.

Submissions (4):

Dubai Health Genomic Medicine Center, Dubai Health
Classification: Likely pathogenic for Hyperostosis cranalis interna. Last evaluated: 2024-10-04. Review status: criteria provided, single submitter. Criteria: ACMG Guidelines, 2015. Collection method: research. Allele origin: germline. Affected: yes.
Comment: PS3,PM2, PM3, PP3

Broad Center for Mendelian Genomics, Broad Institute of MIT and Harvard
Classification: Likely pathogenic for Hypermanganesemia with dystonia 2. Last evaluated: 2020-11-16. Review status: criteria provided, single submitter. Criteria: ACMG Guidelines, 2015. Collection method: curation. Allele origin: germline. Inheritance: Autosomal recessive inheritance.
Comment: This variant has been reported in ClinVar (Variation ID: 446707) and has been interpreted as pathogenic by GeneReviews. The presence of this variant in 2 affected homozygotes and in 2 individuals with hypermanganesemia with dystonia 2 increases the likelihood that the variant is pathogenic (PMID: 29685658). In vitro functional studies provide some evidence that the variant may slightly impact protein function (PMID: 29685658). However, these types of assays may not accurately represent biological function. Computational prediction tools and conservation analyses suggest that this variant may impact the protein, though this information is not predictive enough to determine pathogenicity. In summary, although additional studies are required to fully establish its clinical significance, this variant is likely pathogenic. ACMG/AMP Criteria applied: PM2, PM3, PP3, PS3_supporting (Richards 2015).

OMIM
Classification: Pathogenic for HYPERMANGANESEMIA WITH DYSTONIA 2. Last evaluated: 2020-04-28. Review status: no assertion criteria provided. Collection method: literature only. Allele origin: germline. Not counted in ClinVar's aggregate classification.

GeneReviews
No classification provided. Condition: Hypermanganesemia with dystonia 2. Review status: no classification provided. Collection method: literature only. Allele origin: germline. Not counted in ClinVar's aggregate classification.
Comment: cDNA analysis confirmed that this variant creates a new splice-acceptor site 8 nucleotides upstream of the original splice acceptor, resulting in an apparent 8 nucleotide insertion (c.751_752insCTTCCAGC).

Literature cited by the submitters: PubMed 29685658 (cited by Broad Center for Mendelian Genomics, Broad Institute of MIT and Harvard and OMIM); NCBI Bookshelf NBK431123 (cited by GeneReviews); PubMed 28541650 (cited by GeneReviews).